The following is an entry in ClinVar:

NM_005918.4(MDH2):c.73G>C (p.Ala25Pro)

Gene: MDH2 (malate dehydrogenase 2; plus strand). Cytogenetic location: 7q11.23.
Variant type: single nucleotide variant.
Coding change: c.73G>C on transcript NM_005918.4 (MANE Select); coding-DNA position 73, G replaced by C.
Protein change: p.Ala25Pro; replaces alanine 25 with proline.
Molecular consequence: missense variant. On other transcripts: intron variant (1).
Genome position (GRCh38, 1-based): chr7:76,054,836, G>C. VCF-style: chr7-76054836-G-C. GRCh37 (hg19) VCF-style: chr7-75684154-G-C.
Other names: c.73G>C, p.Ala25Pro (NM_001282403.2); c.-86-2574G>C (NM_001282404.2); short protein forms A25P.
Identifiers: ClinVar variation 1758728 (VCV001758728.2), dbSNP rs2535852497, ClinGen allele CA367762015.

ClinVar aggregate classification (germline): Uncertain significance (1 of 4 stars; one submission).

Conditions:
Inborn genetic diseases. Identifiers: MedGen C0950123, MeSH D030342.

Submission:

Ambry Genetics
Classification: Uncertain significance for Inborn genetic diseases. Last evaluated: 2022-10-27. Review status: criteria provided, single submitter. Criteria: Ambry Variant Classification Scheme 2023. Collection method: clinical testing. Allele origin: germline.
Comment: The p.A25P variant (also known as c.73G>C), located in coding exon 2 of the MDH2 gene, results from a G to C substitution at nucleotide position 73. The alanine at codon 25 is replaced by proline, an amino acid with highly similar properties. This amino acid position is conserved. In addition, the in silico prediction for this alteration is inconclusive. Since supporting evidence is limited at this time, the clinical significance of this alteration remains unclear.